The following is an entry in ClinVar:

ClinVar aggregate classification (germline): Benign/Likely benign. Review status: criteria provided, multiple submitters, no conflicts (2 of 4 stars). 3 submissions from 3 submitters: Benign (1); Likely benign (2). Last evaluated 2025-03-17.

Conditions:
Gastrointestinal stromal tumor. Also called: Gastrointestinal stromal tumor, somatic; Gastrointestinal stroma tumor. Identifiers: Orphanet 44890, MedGen C0238198, MeSH D046152, MONDO:0011719, OMIM 606764, HP:0100723.
Pheochromocytoma/paraganglioma syndrome 3. Also called: SDHC-Related Hereditary Paraganglioma-Pheochromocytoma Syndrome; Paragangliomas 3; GLOMUS TUMORS, FAMILIAL, 3; SDHC-Related Hereditary Paraganglioma-Pheochromocytoma Syndrome (Paragangliomas 3). Identifiers: Orphanet 29072, MedGen C1854336, MONDO:0011544, OMIM 605373.
Hereditary cancer-predisposing syndrome. Also called: Tumor predisposition; Neoplastic Syndromes, Hereditary; Hereditary Cancer Syndrome; Hereditary neoplastic syndrome. Identifiers: Orphanet 140162, MedGen C0027672, MeSH D009386, MONDO:0015356.

gnomAD v4.1: 3 of 1,613,954 alleles (0.00019%); highest among the groups gnomAD compares: Non-Finnish European, 0.00025%; no homozygotes.

Submissions (3):

Myriad Genetics, Inc.
Classification: Benign for Pheochromocytoma/paraganglioma syndrome 3. Last evaluated: 2025-03-17. Review status: criteria provided, single submitter. Criteria: Myriad Autosomal Dominant, Autosomal Recessive and X-Linked Classification Criteria (2023). Collection method: clinical testing. Allele origin: unknown.
Comment: This variant is considered benign. This variant is a silent/synonymous amino acid change and it is not expected to impact splicing.

Labcorp Genetics (formerly Invitae), Labcorp
Classification: Likely benign for Pheochromocytoma/paraganglioma syndrome 3; Gastrointestinal stromal tumor. Last evaluated: 2024-03-02. Review status: criteria provided, single submitter. Criteria: Invitae Variant Classification Sherloc (09022015). Collection method: clinical testing. Allele origin: germline.

Ambry Genetics
Classification: Likely benign for Hereditary cancer-predisposing syndrome. Last evaluated: 2014-12-24. Review status: criteria provided, single submitter. Criteria: Ambry Variant Classification Scheme 2023. Collection method: clinical testing. Allele origin: germline.

NM_003001.5(SDHC):c.402C>T (p.His134=)

Gene: SDHC (succinate dehydrogenase complex subunit C; plus strand). Cytogenetic location: 1q23.3.
Variant type: single nucleotide variant.
Coding change: c.402C>T on transcript NM_003001.5 (MANE Select); coding-DNA position 402, C replaced by T.
Protein change: p.His134=; no amino-acid change (histidine 134 retained).
Molecular consequence: synonymous variant. On other transcripts: non-coding transcript variant (1), intron variant (3).
Genome position (GRCh38, 1-based): chr1:161,356,837, C>T. VCF-style: chr1-161356837-C-T. GRCh37 (hg19) VCF-style: chr1-161326627-C-T.
Other names: c.300C>T, p.His100= (NM_001035512.3); c.243C>T, p.His81= (NM_001035513.3); c.522C>T, p.His174= (NM_001407115.1); c.345C>T, p.His115= (NM_001407116.1); c.339C>T, p.His113= (NM_001407117.1); c.294C>T, p.His98= (NM_001407118.1); c.291C>T, p.His97= (NM_001407119.1, NM_001407120.1); c.242-5492C>T (NM_001035511.3); and 2 more.
Identifiers: ClinVar variation 187709 (VCV000187709.14), dbSNP rs754213041, ClinGen allele CA011411.
Genomic context (GRCh38, chr1:161,356,837, plus strand): 5'-CACAGCTAAGTTTGCACTTGTCTTCCCTCTCATGTATCATACCTGGAATGGGATCCGACA[C>T]TTGGTAAGTTAATTCGGGATTTGCACATTTTCTCTGTGAAGGGAGTGGGGAGACTGGGAG-3'
Protein context (NP_002992.1, residues 124-144): LMYHTWNGIR[His134=]LMWDLGKGLK